The following is an entry in ClinVar:

ClinVar aggregate classification (germline): Uncertain significance (1 of 4 stars; one submission).

Conditions:
Hereditary breast ovarian cancer syndrome. Also called: BRCA1- and BRCA2-Associated Hereditary Breast and Ovarian Cancer; Hereditary breast and ovarian cancer syndrome (HBOC); Hereditary breast and/or ovarian cancer syndrome; Hereditary breast and ovarian cancer syndrome; Hereditary breast and ovarian cancer; Breast and ovarian cancer. Identifiers: Orphanet 145, MedGen C0677776, MeSH D061325, MONDO:0003582. Disease mechanism: loss of function.

Submission:

Labcorp Genetics (formerly Invitae), Labcorp
Classification: Uncertain significance for Hereditary breast ovarian cancer syndrome. Last evaluated: 2022-09-09. Review status: criteria provided, single submitter. Criteria: Invitae Variant Classification Sherloc (09022015). Collection method: clinical testing. Allele origin: germline.
Comment: This sequence change replaces leucine, which is neutral and non-polar, with isoleucine, which is neutral and non-polar, at codon 2753 of the BRCA2 protein (p.Leu2753Ile). This variant is not present in population databases (gnomAD no frequency). This variant has not been reported in the literature in individuals affected with BRCA2-related conditions. Advanced modeling of protein sequence and biophysical properties (such as structural, functional, and spatial information, amino acid conservation, physicochemical variation, residue mobility, and thermodynamic stability) performed at Invitae indicates that this missense variant is not expected to disrupt BRCA2 protein function. In summary, the available evidence is currently insufficient to determine the role of this variant in disease. Therefore, it has been classified as a Variant of Uncertain Significance.

NM_000059.4(BRCA2):c.8257C>A (p.Leu2753Ile)

Gene: BRCA2 (BRCA2 DNA repair associated; plus strand). Cytogenetic location: 13q13.1.
Variant type: single nucleotide variant.
Coding change: c.8257C>A on transcript NM_000059.4 (MANE Select); coding-DNA position 8257, C replaced by A.
Protein change: p.Leu2753Ile; replaces leucine 2753 with isoleucine.
Molecular consequence: missense variant.
Genome position (GRCh38, 1-based): chr13:32,363,459, C>A. VCF-style: chr13-32363459-C-A. GRCh37 (hg19) VCF-style: chr13-32937596-C-A.
Other names: c.8161C>A, p.Leu2721Ile (NM_001406719.1); c.8257C>A, p.Leu2753Ile (NM_001406720.1); c.3325C>A, p.Leu1109Ile (NM_001406721.1); c.1840C>A, p.Leu614Ile (NM_001406722.1); short protein forms L1109I, L2721I, L2753I, L614I.
Identifiers: ClinVar variation 1719078 (VCV001719078.6), dbSNP rs2137582341, ClinGen allele CA387749975.